The following is an entry in ClinVar:

ClinVar aggregate classification (germline): Uncertain significance (1 of 4 stars; one submission).

Submission:

Labcorp Genetics (formerly Invitae), Labcorp
Classification: Uncertain significance. Last evaluated: 2021-08-31. Review status: criteria provided, single submitter. Criteria: Invitae Variant Classification Sherloc (09022015). Collection method: clinical testing. Allele origin: germline.
Comment: This sequence change replaces leucine with proline at codon 221 of the CCDC88A protein (p.Leu221Pro). The leucine residue is moderately conserved and there is a moderate physicochemical difference between leucine and proline. This variant is not present in population databases (ExAC no frequency). This variant has not been reported in the literature in individuals affected with CCDC88A-related conditions. Algorithms developed to predict the effect of missense changes on protein structure and function are either unavailable or do not agree on the potential impact of this missense change (SIFT: "Deleterious"; PolyPhen-2: "Possibly Damaging"; Align-GVGD: "Class C0"). In summary, the available evidence is currently insufficient to determine the role of this variant in disease. Therefore, it has been classified as a Variant of Uncertain Significance.

NM_001365480.1(CCDC88A):c.662T>C (p.Leu221Pro)

Gene: CCDC88A (coiled-coil domain containing 88A; minus strand). Cytogenetic location: 2p16.1.
Variant type: single nucleotide variant.
Coding change: c.662T>C on transcript NM_001365480.1 (MANE Select); coding-DNA position 662, T replaced by C.
Protein change: p.Leu221Pro; replaces leucine 221 with proline.
Molecular consequence: missense variant.
Genome position (GRCh38, 1-based): chr2:55,355,717, A>G on the plus strand (T>C on the coding strand, the complement: CCDC88A is on the minus strand). VCF-style: chr2-55355717-A-G. GRCh37 (hg19) VCF-style: chr2-55582853-A-G.
Other names: c.662T>C, p.Leu221Pro (NM_001135597.2, NM_001254943.2, NM_018084.5); short protein forms L221P.
Identifiers: ClinVar variation 1943269 (VCV001943269.2), dbSNP rs2544915493, ClinGen allele CA346910099.
Genomic context (GRCh38, chr2:55,355,717, plus strand): 5'-TTCATGCCTGGAGAACCACAGGGTGACTGTGCAGATGAAGAGGCATGGGGTAGAAAATGG[A>G]GACCATCCCGCTCTTCAGAGAGTTCTATGATAGTCTAGAAATACACACAGAATCACTTTC-3'
Protein context (NP_001352409.1, residues 211-231): IIELSEERDG[Leu221Pro]HFLPHASSSA